The following is an entry in ClinVar:

NM_018255.4(ELP2):c.1321C>G (p.Leu441Val)

Gene: ELP2 (elongator acetyltransferase complex subunit 2; plus strand). Cytogenetic location: 18q12.2.
Variant type: single nucleotide variant.
Coding change: c.1321C>G on transcript NM_018255.4 (MANE Select); coding-DNA position 1321, C replaced by G.
Protein change: p.Leu441Val; replaces leucine 441 with valine.
Molecular consequence: missense variant. On other transcripts: non-coding transcript variant (4).
Genome position (GRCh38, 1-based): chr18:36,156,511, C>G. VCF-style: chr18-36156511-C-G. GRCh37 (hg19) VCF-style: chr18-33736474-C-G.
Other names: c.1516C>G, p.Leu506Val (NM_001242875.3); c.1306C>G, p.Leu436Val (NM_001242876.3); c.1243C>G, p.Leu415Val (NM_001242877.3); c.1111C>G, p.Leu371Val (NM_001242878.3, NM_001242879.3); c.1189C>G, p.Leu397Val (NM_001324465.2); c.1438C>G, p.Leu480Val (NM_001324466.2); c.1171C>G, p.Leu391Val (NM_001324467.2); c.874C>G, p.Leu292Val (NM_001324468.2); short protein forms L292V, L415V, L436V, L480V, L391V, L397V, L441V, L506V.
Identifiers: ClinVar variation 1033374 (VCV001033374.1), dbSNP rs2090578313, ClinGen allele CA402210382.

ClinVar aggregate classification (germline): Uncertain significance (1 of 4 stars; one submission).

Conditions:
Intellectual developmental disorder, autosomal recessive 48. Also called: Progressive essential tremor-speech impairment-facial dysmorphism-intellectual disability-abnormal behavior syndrome. Identifiers: Orphanet 457212, MedGen C4225395, MONDO:0014559, OMIM 616269.

Submission:

Baylor Genetics
Classification: Uncertain significance for Intellectual developmental disorder, autosomal recessive 48. Last evaluated: 2018-04-17. Review status: criteria provided, single submitter. Criteria: ACMG Guidelines, 2015. Collection method: clinical testing. Allele origin: unknown. Affected: yes.
Comment: This variant was determined to be of uncertain significance according to ACMG Guidelines, 2015 [PMID:25741868].